The following is an entry in ClinVar:

ClinVar aggregate classification (germline): Pathogenic (1 of 4 stars; one submission).

Conditions:
Methylmalonic acidemia due to methylmalonyl-CoA epimerase deficiency. Also called: METHYLMALONYL-CoA RACEMASE DEFICIENCY; METHYLMALONIC ACIDURIA III; Methylmalonyl-CoA Epimerase Deficiency. Identifiers: Orphanet 308425, MedGen C1855100, MONDO:0009615, OMIM 251120.

Submission:

Labcorp Genetics (formerly Invitae), Labcorp
Classification: Pathogenic for Methylmalonic acidemia due to methylmalonyl-CoA epimerase deficiency. Last evaluated: 2024-03-13. Review status: criteria provided, single submitter. Criteria: Invitae Variant Classification Sherloc (09022015). Collection method: clinical testing. Allele origin: germline.
Comment: This sequence change creates a premature translational stop signal (p.Asp36Leufs*32) in the MCEE gene. It is expected to result in an absent or disrupted protein product. Loss-of-function variants in MCEE are known to be pathogenic (PMID: 16697227, 16752391, 30682498). This variant is not present in population databases (gnomAD no frequency). This variant has not been reported in the literature in individuals affected with MCEE-related conditions. For these reasons, this variant has been classified as Pathogenic.

Literature cited by the submitters: PubMed 16697227; PubMed 16752391; PubMed 30682498.

NM_032601.4(MCEE):c.102_105dup (p.Asp36fs)

Gene: MCEE (methylmalonyl-CoA epimerase; minus strand). Cytogenetic location: 2p13.3.
Variant type: Duplication.
Coding change: c.102_105dup on transcript NM_032601.4 (MANE Select); coding-DNA positions 102 to 105, 4 bases duplicated (CTTG; older notation c.102_105dupCTTG).
Protein change: p.Asp36fs; shifts the reading frame from aspartic acid 36.
Molecular consequence: frameshift variant.
Genome position (GRCh38, 1-based): chr2:71,124,479-71,124,482, CAAG duplicated on the plus strand (CTTG on the coding strand, the reverse complement: MCEE is on the minus strand). VCF-style (leftmost placement, unchanged base first): chr2-71124478-C-CCAAG. GRCh37 (hg19) VCF-style: chr2-71351608-C-CCAAG.
Other names: short protein forms D36fs.
Identifiers: ClinVar variation 3645773 (VCV003645773.2).